The following is an entry in ClinVar:

NM_003872.3(NRP2):c.2257G>A (p.Glu753Lys)

Gene: NRP2 (neuropilin 2; plus strand). Cytogenetic location: 2q33.3.
Variant type: single nucleotide variant.
Coding change: c.2257G>A on transcript NM_003872.3 (MANE Select); coding-DNA position 2257, G replaced by A.
Protein change: p.Glu753Lys; replaces glutamic acid 753 with lysine.
Molecular consequence: missense variant.
Genome position (GRCh38, 1-based): chr2:205,763,886, G>A. VCF-style: chr2-205763886-G-A. GRCh37 (hg19) VCF-style: chr2-206628610-G-A.
Other names: c.2257G>A, p.Glu753Lys (NM_018534.4, NM_201266.2, NM_201267.2 and 1 more transcripts); short protein forms E753K.
Identifiers: ClinVar variation 3921913 (VCV003921913.2).

ClinVar aggregate classification (germline): Uncertain significance. Review status: criteria provided, multiple submitters, no conflicts (2 of 4 stars). 2 submissions from 2 submitters: Uncertain significance (2). Last evaluated 2025-08-05.

Conditions:
NRP2-related disorder. Also called: NRP2-related condition.

gnomAD v4.1: 5 of 1,614,068 alleles (0.00031%); highest among the groups gnomAD compares: Non-Finnish European, 0.00042%; no homozygotes.

Submissions (2):

PreventionGenetics, part of Exact Sciences
Classification: Uncertain significance for NRP2-related condition. Last evaluated: 2025-08-05. Review status: criteria provided, single submitter. Criteria: ACMG Guidelines, 2015. Collection method: clinical testing. Allele origin: germline.
Comment: The NRP2 c.2257G>A variant is predicted to result in the amino acid substitution p.Glu753Lys. To our knowledge, this variant has not been reported in the literature. This variant is reported in 0.0018% of alleles in individuals of European (Non-Finnish) descent in gnomAD. At this time, the clinical significance of this variant is uncertain due to the absence of conclusive functional and genetic evidence.

Ambry Genetics
Classification: Uncertain significance. Last evaluated: 2025-05-05. Review status: criteria provided, single submitter. Criteria: Ambry Variant Classification Scheme 2023. Collection method: clinical testing. Allele origin: germline.